The following is an entry in ClinVar:

NM_001278716.2(FBXL4):c.15T>A (p.Phe5Leu)

Gene: FBXL4 (F-box and leucine rich repeat protein 4; minus strand). Cytogenetic location: 6q16.2.
Variant type: single nucleotide variant.
Coding change: c.15T>A on transcript NM_001278716.2 (MANE Select); coding-DNA position 15, T replaced by A.
Protein change: p.Phe5Leu; replaces phenylalanine 5 with leucine.
Molecular consequence: missense variant. On other transcripts: non-coding transcript variant (2).
Genome position (GRCh38, 1-based): chr6:98,926,974, A>T on the plus strand (T>A on the coding strand, the complement: FBXL4 is on the minus strand). VCF-style: chr6-98926974-A-T. GRCh37 (hg19) VCF-style: chr6-99374850-A-T.
Other names: c.15T>A, p.Phe5Leu (NM_012160.5); short protein forms F5L.
Identifiers: ClinVar variation 437511 (VCV000437511.1), dbSNP rs765129401, ClinGen allele CA3933767.
Genomic context (GRCh38, chr6:98,926,974, plus strand): 5'-TGTCCTGGCTCGGCGCCGAAGGCATATATAATAAAACATGGTCAGAACTGTTAACATGGG[A>T]AAGACCGGTGACATCTAGATGTGAATTATGAAGCTTCAAAAGGTCAGGTGTCCTCAGTAA-3'
Protein context (NP_001265645.1, residues 1-15): MSPV[Phe5Leu]PMLTVLTMFY

ClinVar aggregate classification (germline): Uncertain significance (1 of 4 stars; one submission).

Conditions:
Mitochondrial DNA depletion syndrome 13. Also called: FBXL4-Related Encephalomyopathic Mitochondrial DNA Depletion Syndrome; Mitochondrial DNA depletion syndrome 13 (encephalomyopathic type). Identifiers: Orphanet 369897, MedGen C3809592, MONDO:0014198, OMIM 615471.

Allele frequency attached by ClinVar (database versions not stated): TOPMed below 0.00001; gnomAD exomes 0.00001 and 0.00002; ExAC 0.00004.
gnomAD v4.1: 13 of 1,613,806 alleles (0.00081%); highest among the groups gnomAD compares: Non-Finnish European, 0.00093%; no homozygotes.

Submission:

Wong Mito Lab, Molecular and Human Genetics, Baylor College of Medicine
Classification: Uncertain significance for Mitochondrial DNA depletion syndrome 13. Last evaluated: 2017-08-10. Review status: criteria provided, single submitter. Criteria: ACMG Guidelines, 2015. Collection method: reference population. Allele origin: germline.
Comment: The NM_012160.4:c.15T>A (NP_036292.2:p.Phe5Leu) [GRCH38: NC_000006.12:g.98926974A>T] variant in FBXL4 gene is interpretated to be a Uncertain Significance - Conflicting Evidence based on ACMG guidelines (PMID: 25741868). This variant meets one or more of the following evidence codes reported in the ACMG-guideline. PM2:This variant is absent in key population databases. BP4:Computational evidence/predictors indicate no impact on the FBXL4 structure, function, or protein-protein interaction. Based on this evidence code ClinGen Pathogenicity Calculator (PMID:28081714) suggested that the variant is Uncertain Significance - Conflicting Evidence.